The following is an entry in ClinVar:

ClinVar aggregate classification (germline): Benign/Likely benign. Review status: criteria provided, multiple submitters, no conflicts (2 of 4 stars). 15 submissions from 15 submitters: Benign (10); Likely benign (2). 3 of the submissions do not count toward it. Last evaluated 2026-02-04.

Conditions:
Alport syndrome. Also called: Hemorrhagic familial nephritis; Hemorrhagic hereditary nephritis; Congenital hereditary hematuria. Identifiers: Orphanet 63, MedGen C1567741, MONDO:0018965.
Focal segmental glomerulosclerosis (FSGS). Also called: Glomerulosclerosis, focal; Focal sclerosis with hyalinosis. Identifiers: MedGen C0017668, MONDO:0100313, HP:0000097. Disease mechanism: loss of function.

Allele frequency attached by ClinVar (database versions not stated): 1000 Genomes Project 0.00559; 1000 Genomes Project 30x 0.00625; TOPMed 0.00950; gnomAD 0.01034 and 0.01064; ESP Exome Variant Server 0.01087; gnomAD exomes 0.01196 and 0.01595; ExAC 0.01243.
gnomAD v4.1: 24,663 of 1,613,086 alleles (1.5%); highest among the groups gnomAD compares: Non-Finnish European, 1.8%; 231 homozygotes.

Submissions (15):

Labcorp Genetics (formerly Invitae), Labcorp
Classification: Benign. Last evaluated: 2026-02-04. Review status: criteria provided, single submitter. Criteria: Invitae Variant Classification Sherloc (09022015). Collection method: clinical testing. Allele origin: germline.

Women's Health and Genetics/Laboratory Corporation of America, LabCorp
Classification: Likely benign. Last evaluated: 2025-10-21. Review status: criteria provided, single submitter. Criteria: LabCorp Variant Classification Summary - May 2015. Collection method: clinical testing. Allele origin: germline.

Blueprint Genetics
Classification: Likely benign. Last evaluated: 2024-11-26. Review status: criteria provided, single submitter. Criteria: ACMG Guidelines, 2015. Collection method: clinical testing. Allele origin: germline.

ARUP Laboratories, Molecular Genetics and Genomics, ARUP Laboratories
Classification: Benign. Last evaluated: 2024-10-23. Review status: criteria provided, single submitter. Criteria: ARUP Molecular Germline Variant Investigation Process 2024. Collection method: clinical testing. Allele origin: germline.

Mayo Clinic Laboratories, Mayo Clinic
Classification: Benign. Last evaluated: 2022-09-09. Review status: criteria provided, single submitter. Criteria: ACMG Guidelines, 2015. Collection method: clinical testing. Allele origin: germline. Observed: 7 variant alleles.
Comment: BS1, BS2, BP4

Genome Diagnostics Laboratory, The Hospital for Sick Children
Classification: Benign for Focal segmental glomerulosclerosis. Last evaluated: 2022-07-11. Review status: criteria provided, single submitter. Criteria: ACMG Guidelines, 2015. Collection method: clinical testing. Allele origin: germline.

GeneDx
Classification: Benign. Last evaluated: 2018-07-02. Review status: criteria provided, single submitter. Criteria: GeneDx Variant Classification Process June 2021. Collection method: clinical testing. Allele origin: germline. Affected: yes.
Comment: This variant is associated with the following publications: (PMID: 19525337, 14582039, 17216251)

Athena Diagnostics
Classification: Benign. Last evaluated: 2017-07-20. Review status: criteria provided, single submitter. Criteria: Athena Diagnostics Criteria. Collection method: clinical testing. Allele origin: unknown.

Illumina Laboratory Services, Illumina
Classification: Benign for Alport syndrome. Last evaluated: 2017-04-27. Review status: criteria provided, single submitter. Criteria: ICSL Variant Classification Criteria 13 December 2019. Collection method: clinical testing. Allele origin: germline.
Comment: This variant was observed as part of a predisposition screen in an ostensibly healthy population. A literature search was performed for the gene, cDNA change, and amino acid change (where applicable). No publications were found based on this search. Allele frequency data from public databases was too high to be consistent with this variant causing disease. Therefore, this variant is classified as benign.

Laboratory for Molecular Medicine, Mass General Brigham Personalized Medicine
Classification: Benign. Last evaluated: 2016-03-21. Review status: criteria provided, single submitter. Criteria: LMM Criteria. Collection method: clinical testing. Allele origin: germline. Observed: 12 variant alleles.
Comment: p.Lys834Arg in exon 32 of COL4A3: This variant is not expected to have clinical significance because it has been identified in 1.88% (1250/66618) of European ch romosomes by the Exome Aggregation Consortium (ExAC. org; dbSNP rs56226424).

Breakthrough Genomics
Classification: Benign. Review status: criteria provided, single submitter. Criteria: ACMG Guidelines, 2015. Collection method: not provided. Allele origin: germline. Inheritance: Autosomal recessive inheritance. Affected: yes.

PreventionGenetics, part of Exact Sciences
Classification: Benign. Review status: criteria provided, single submitter. Criteria: ACMG Guidelines, 2015. Collection method: clinical testing. Allele origin: germline.

Natera, Inc.
Classification: Benign for Alport syndrome. Last evaluated: 2019-11-27. Review status: no assertion criteria provided. Collection method: clinical testing. Allele origin: germline. Not counted in ClinVar's aggregate classification.

Genome Diagnostics Laboratory, University Medical Center Utrecht
Classification: Benign. Review status: no assertion criteria provided. Collection method: clinical testing. Allele origin: germline. Affected: yes. Study: VKGL Data-share Consensus. Not counted in ClinVar's aggregate classification.

Joint Genome Diagnostic Labs from Nijmegen and Maastricht, Radboudumc and MUMC+
Classification: Benign. Review status: no assertion criteria provided. Collection method: clinical testing. Allele origin: germline. Affected: yes. Study: VKGL Data-share Consensus. Not counted in ClinVar's aggregate classification.

Literature cited by the submitters: PubMed 14582039 (cited by Mayo Clinic Laboratories, Mayo Clinic).

NM_000091.5(COL4A3):c.2501A>G (p.Lys834Arg)

Genes: MFF-DT (MFF divergent transcript; minus strand), COL4A3 (collagen type IV alpha 3 chain; plus strand). Cytogenetic location: 2q36.3.
Variant type: single nucleotide variant.
Coding change: c.2501A>G on transcript NM_000091.5 (MANE Select); coding-DNA position 2501, A replaced by G.
Protein change: p.Lys834Arg; replaces lysine 834 with arginine.
Molecular consequence: missense variant.
Genome position (GRCh38, 1-based): chr2:227,282,377, A>G. VCF-style: chr2-227282377-A-G. GRCh37 (hg19) VCF-style: chr2-228147093-A-G.
Other names: short protein forms K834R.
Identifiers: ClinVar variation 254987 (VCV000254987.33), dbSNP rs56226424, ClinGen allele CA2146950.